The following is an entry in ClinVar:

NM_021930.6(RINT1):c.2187-1G>A

Genes: EFCAB10 (EF-hand calcium binding domain 10; minus strand), RINT1 (RAD50 interactor 1; plus strand). Cytogenetic location: 7q22.3.
Variant type: single nucleotide variant.
Coding change: c.2187-1G>A on transcript NM_021930.6 (MANE Select); the canonical splice acceptor site of the intron before coding-DNA position 2187, G replaced by A.
Molecular consequence: splice acceptor variant. On other transcripts: 3 prime UTR variant (2), intron variant (3).
Genome position (GRCh38, 1-based): chr7:105,567,118, G>A. VCF-style: chr7-105567118-G-A. GRCh37 (hg19) VCF-style: chr7-105207565-G-A.
Other names: c.*336C>T (NM_001355527.2, NM_001355529.2); c.1164-1G>A (NM_001346600.2, NM_001346603.2); c.1263-1G>A (NM_001346601.2); c.1953-1G>A (NM_001346599.2); c.360-1671C>T (NM_001355531.2); c.383+349C>T (NM_001355526.2, NM_001355530.2).
Identifiers: ClinVar variation 3433579 (VCV003433579.1).

ClinVar aggregate classification (germline): Uncertain significance (1 of 4 stars; one submission).

gnomAD v4.1: 4 of 1,549,634 alleles (0.00026%); highest among the groups gnomAD compares: Non-Finnish European, 0.00035%; no homozygotes.

Submission:

Ambry Genetics
Classification: Uncertain significance. Last evaluated: 2024-07-06. Review status: criteria provided, single submitter. Criteria: Ambry Variant Classification Scheme 2023. Collection method: clinical testing. Allele origin: germline.
Comment: The c.2187-1G>A intronic variant results from a G to A substitution one nucleotide upstream from coding exon 15 of the RINT1 gene. This nucleotide position is highly conserved in available vertebrate species. In silico splice site analysis predicts that this alteration will weaken the native splice acceptor site and will result in the creation or strengthening of a novel splice acceptor site. Alterations that disrupt the canonical splice site are expected to cause aberrant splicing, resulting in an abnormal protein or a transcript that is subject to nonsense-mediated mRNA decay. The evidence for this gene-disease relationship is limited; therefore, the clinical significance of this alteration is unclear.